The following is an entry in ClinVar:

NM_001105206.3(LAMA4):c.982A>G (p.Arg328Gly)

Gene: LAMA4 (laminin subunit alpha 4; minus strand). Cytogenetic location: 6q21.
Variant type: single nucleotide variant.
Coding change: c.982A>G on transcript NM_001105206.3 (MANE Select); coding-DNA position 982, A replaced by G.
Protein change: p.Arg328Gly; replaces arginine 328 with glycine.
Molecular consequence: missense variant.
Genome position (GRCh38, 1-based): chr6:112,185,332, T>C on the plus strand (A>G on the coding strand, the complement: LAMA4 is on the minus strand). VCF-style: chr6-112185332-T-C. GRCh37 (hg19) VCF-style: chr6-112506534-T-C.
Other names: c.961A>G, p.Arg321Gly (NM_001105207.3, NM_002290.5); short protein forms R328G, R321G.
Identifiers: ClinVar variation 2143651 (VCV002143651.4), dbSNP rs781947878, ClinGen allele CA3965932.

ClinVar aggregate classification (germline): Uncertain significance (1 of 4 stars; one submission).

Conditions:
Dilated cardiomyopathy 1JJ (CMD1JJ). Identifiers: Orphanet 154, MedGen C3808935, MONDO:0014095, OMIM 615235.

Allele frequency attached by ClinVar (database versions not stated): gnomAD exomes below 0.00001; ExAC 0.00001.
gnomAD v4.1: 1 of 1,607,240 alleles (0.000062%); highest among the groups gnomAD compares: South Asian, 0.0011%; no homozygotes.

Submission:

Labcorp Genetics (formerly Invitae), Labcorp
Classification: Uncertain significance for Dilated cardiomyopathy 1JJ. Last evaluated: 2023-05-22. Review status: criteria provided, single submitter. Criteria: Invitae Variant Classification Sherloc (09022015). Collection method: clinical testing. Allele origin: germline.
Comment: This sequence change replaces arginine, which is basic and polar, with glycine, which is neutral and non-polar, at codon 321 of the LAMA4 protein (p.Arg321Gly). This variant is present in population databases (rs781947878, gnomAD 0.003%). This variant has not been reported in the literature in individuals affected with LAMA4-related conditions. ClinVar contains an entry for this variant (Variation ID: 2143651). An algorithm developed to predict the effect of missense changes on protein structure and function (PolyPhen-2) suggests that this variant is likely to be disruptive. In summary, the available evidence is currently insufficient to determine the role of this variant in disease. Therefore, it has been classified as a Variant of Uncertain Significance.